The following is an entry in ClinVar:

NM_003737.4(DCHS1):c.1358G>A (p.Arg453Gln)

Gene: DCHS1 (dachsous cadherin-related 1; minus strand). Cytogenetic location: 11p15.4.
Variant type: single nucleotide variant.
Coding change: c.1358G>A on transcript NM_003737.4 (MANE Select); coding-DNA position 1358, G replaced by A.
Protein change: p.Arg453Gln; replaces arginine 453 with glutamine.
Molecular consequence: missense variant.
Genome position (GRCh38, 1-based): chr11:6,640,256, C>T on the plus strand (G>A on the coding strand, the complement: DCHS1 is on the minus strand). VCF-style: chr11-6640256-C-T. GRCh37 (hg19) VCF-style: chr11-6661487-C-T.
Other names: short protein forms R453Q.
Identifiers: ClinVar variation 3237397 (VCV003237397.1), dbSNP rs756815370.

ClinVar aggregate classification (germline): Uncertain significance (1 of 4 stars; one submission).

Conditions:
Van Maldergem syndrome 1 (VMLDS1). Also called: Van Maldergem syndrome 1 (VMLDS1). Identifiers: Orphanet 314679, MedGen C4551950, MONDO:0011070, OMIM 601390.

Allele frequency attached by ClinVar (database versions not stated): gnomAD 0.00001; gnomAD exomes 0.00001; ExAC 0.00002; TOPMed 0.00002.

Submission:

Clinical Genomics Laboratory, Washington University in St. Louis
Classification: Uncertain significance for Van Maldergem syndrome 1. Last evaluated: 2023-12-14. Review status: criteria provided, single submitter. Criteria: ACMG Guidelines, 2015. Collection method: clinical testing. Allele origin: germline.
Comment: A DCHS1 c.1358G>A (p.Arg453Gln) variant was identified at a near heterozygous allelic fraction of 48.2%, a frequency which may be consistent with it being of germline origin. This variant, to our knowledge, has not been reported in the medical literature. This variant is only observed on 11/1,610,488 alleles in the general population (gnomAD v.4.0.0), indicating it is not a common variant. Computational predictors suggest that the variant does not impact DCHS1 function. Due to limited information, and based on ACMG/AMP guidelines for variant interpretation (Richards S et al., PMID: 25741868), the clinical significance of this variant is uncertain at this time.